The following is an entry in ClinVar:

NM_052872.4(IL17F):c.92G>A (p.Arg31Gln)

Gene: IL17F (interleukin 17F; minus strand). Cytogenetic location: 6p12.2.
Variant type: single nucleotide variant.
Coding change: c.92G>A on transcript NM_052872.4 (MANE Select); coding-DNA position 92, G replaced by A.
Protein change: p.Arg31Gln; replaces arginine 31 with glutamine.
Molecular consequence: missense variant.
Genome position (GRCh38, 1-based): chr6:52,238,892, C>T on the plus strand (G>A on the coding strand, the complement: IL17F is on the minus strand). VCF-style: chr6-52238892-C-T. GRCh37 (hg19) VCF-style: chr6-52103690-C-T.
Other names: short protein forms R31Q.
Identifiers: ClinVar variation 3021113 (VCV003021113.3), dbSNP rs754531850, ClinGen allele CA364445210.

ClinVar aggregate classification (germline): Uncertain significance (1 of 4 stars; one submission).

Conditions:
Candidiasis, familial, 6 (CANDF6). Also called: Candidiasis, familial, 6, autosomal dominant. Identifiers: Orphanet 1334, MedGen C3151405, MONDO:0013503, OMIM 613956.

Allele frequency attached by ClinVar (database versions not stated): gnomAD 0.00001; gnomAD exomes 0.00001; TOPMed 0.00001.
gnomAD v4.1: 18 of 1,613,804 alleles (0.0011%); highest among the groups gnomAD compares: South Asian, 0.0044%; no homozygotes.

Submission:

Labcorp Genetics (formerly Invitae), Labcorp
Classification: Uncertain significance for Candidiasis, familial, 6. Last evaluated: 2024-12-12. Review status: criteria provided, single submitter. Criteria: Invitae Variant Classification Sherloc (09022015). Collection method: clinical testing. Allele origin: germline.
Comment: This sequence change replaces arginine, which is basic and polar, with glutamine, which is neutral and polar, at codon 31 of the IL17F protein (p.Arg31Gln). This variant is present in population databases (no rsID available, gnomAD 0.01%). This variant has not been reported in the literature in individuals affected with IL17F-related conditions. ClinVar contains an entry for this variant (Variation ID: 3021113). An algorithm developed to predict the effect of missense changes on protein structure and function outputs the following: PolyPhen-2: "Benign". The glutamine amino acid residue is found in multiple mammalian species, which suggests that this missense change does not adversely affect protein function. In summary, the available evidence is currently insufficient to determine the role of this variant in disease. Therefore, it has been classified as a Variant of Uncertain Significance.